The following is an entry in ClinVar:

ClinVar aggregate classification (germline): Likely pathogenic (1 of 4 stars; one submission).

gnomAD v4.1: 1 of 1,613,022 alleles (0.000062%); highest among the groups gnomAD compares: Non-Finnish European, 0.000085%; no homozygotes.

Submission:

GeneDx
Classification: Likely pathogenic. Last evaluated: 2024-07-17. Review status: criteria provided, single submitter. Criteria: GeneDx Variant Classification Process June 2021. Collection method: clinical testing. Allele origin: germline. Affected: yes.
Comment: Identified via newborn screening study in a heterozygous individual who was classified as a carrier (PMID: 30626930); Canonical splice site variant predicted to result in an in-frame loss of the adjacent exon in a gene for which loss of function is a known mechanism of disease; Not observed at significant frequency in large population cohorts (gnomAD); This variant is associated with the following publications: (PMID: 30626930)

NM_020166.5(MCCC1):c.369+1G>A

Gene: MCCC1 (methylcrotonyl-CoA carboxylase subunit 1; minus strand). Cytogenetic location: 3q27.1.
Variant type: single nucleotide variant.
Coding change: c.369+1G>A on transcript NM_020166.5 (MANE Select); the canonical splice donor site of the intron after coding-DNA position 369, G replaced by A.
Molecular consequence: splice donor variant.
Genome position (GRCh38, 1-based): chr3:183,086,692, C>T on the plus strand (G>A on the coding strand, the complement: MCCC1 is on the minus strand). VCF-style: chr3-183086692-C-T. GRCh37 (hg19) VCF-style: chr3-182804480-C-T.
Other names: c.42+1G>A (NM_001363880.1); c.140+1G>A (NM_001293273.2).
Identifiers: ClinVar variation 3573503 (VCV003573503.1).